The following is an entry in ClinVar:

ClinVar aggregate classification (germline): Conflicting classifications of pathogenicity. Review status: criteria provided, conflicting classifications (1 of 4 stars). 2 submissions from 2 submitters: Uncertain significance (1); Likely benign (1). Last evaluated 2025-01-10.

gnomAD v4.1: 41 of 1,610,388 alleles (0.0025%); highest among the groups gnomAD compares: South Asian, 0.012%; no homozygotes.

Submissions (2):

Ambry Genetics
Classification: Uncertain significance. Last evaluated: 2025-01-10. Review status: criteria provided, single submitter. Criteria: Ambry Variant Classification Scheme 2023. Collection method: clinical testing. Allele origin: germline.

CeGaT Center for Human Genetics Tuebingen
Classification: Likely benign. Last evaluated: 2022-09-01. Review status: criteria provided, single submitter. Criteria: CeGaT Center For Human Genetics Tuebingen Variant Classification Criteria Version 2. Collection method: clinical testing. Allele origin: germline. Affected: yes. Observed: 1 variant allele.
Comment: PARP10: BP4

NM_032789.5(PARP10):c.2252G>A (p.Arg751His)

Gene: PARP10 (poly(ADP-ribose) polymerase family member 10; minus strand). Cytogenetic location: 8q24.3.
Variant type: single nucleotide variant.
Coding change: c.2252G>A on transcript NM_032789.5 (MANE Select); coding-DNA position 2252, G replaced by A.
Protein change: p.Arg751His; replaces arginine 751 with histidine.
Molecular consequence: missense variant. On other transcripts: non-coding transcript variant (1).
Genome position (GRCh38, 1-based): chr8:143,983,337, C>T on the plus strand (G>A on the coding strand, the complement: PARP10 is on the minus strand). VCF-style: chr8-143983337-C-T. GRCh37 (hg19) VCF-style: chr8-145057505-C-T.
Other names: c.2288G>A, p.Arg763His (NM_001317895.2); c.2252G>A (NM_032789.3); short protein forms R751H, R763H.
Identifiers: ClinVar variation 2658961 (VCV002658961.25), dbSNP rs200251958, ClinGen allele CA4929423.